The following is an entry in ClinVar:

NM_004614.5(TK2):c.37G>A (p.Ala13Thr)

Genes: TK2 (thymidine kinase 2; minus strand), LOC130059156 (ATAC-STARR-seq lymphoblastoid silent region 7560; plus strand). Cytogenetic location: 16q21.
Variant type: single nucleotide variant.
Coding change: c.37G>A on transcript NM_004614.5 (MANE Select); coding-DNA position 37, G replaced by A.
Protein change: p.Ala13Thr; replaces alanine 13 with threonine.
Molecular consequence: missense variant. On other transcripts: 5 prime UTR variant (2), non-coding transcript variant (1), intron variant (2).
Genome position (GRCh38, 1-based): chr16:66,550,025, C>T on the plus strand (G>A on the coding strand, the complement: TK2 is on the minus strand). VCF-style: chr16-66550025-C-T. GRCh37 (hg19) VCF-style: chr16-66583928-C-T.
Other names: c.37G>A, p.Ala13Thr (NM_001172644.2, NM_001172645.2); c.-206G>A (NM_001271934.2); c.-616G>A (NM_001272050.2); c.31+228G>A (NM_001271935.1, NM_001172643.1); short protein forms A13T.
Identifiers: ClinVar variation 1965618 (VCV001965618.4), dbSNP rs929088751, ClinGen allele CA282199474.

ClinVar aggregate classification (germline): Uncertain significance (1 of 4 stars; one submission).

Allele frequency attached by ClinVar (database versions not stated): TOPMed below 0.00001; gnomAD 0.00001.
gnomAD v4.1: 2 of 1,549,070 alleles (0.00013%); highest among the groups gnomAD compares: African/African-American, 0.0027%; no homozygotes.

Submission:

Labcorp Genetics (formerly Invitae), Labcorp
Classification: Uncertain significance. Last evaluated: 2022-06-15. Review status: criteria provided, single submitter. Criteria: Invitae Variant Classification Sherloc (09022015). Collection method: clinical testing. Allele origin: germline.
Comment: In summary, the available evidence is currently insufficient to determine the role of this variant in disease. Therefore, it has been classified as a Variant of Uncertain Significance. Advanced modeling of protein sequence and biophysical properties (such as structural, functional, and spatial information, amino acid conservation, physicochemical variation, residue mobility, and thermodynamic stability) performed at Invitae indicates that this missense variant is not expected to disrupt TK2 protein function. This variant has not been reported in the literature in individuals affected with TK2-related conditions. This variant is not present in population databases (gnomAD no frequency). This sequence change replaces alanine, which is neutral and non-polar, with threonine, which is neutral and polar, at codon 13 of the TK2 protein (p.Ala13Thr).